The following is an entry in ClinVar:

NM_001080512.3(BICC1):c.2608A>C (p.Asn870His)

Gene: BICC1 (BicC family RNA binding protein 1; plus strand). Cytogenetic location: 10q21.1.
Variant type: single nucleotide variant.
Coding change: c.2608A>C on transcript NM_001080512.3 (MANE Select); coding-DNA position 2608, A replaced by C.
Protein change: p.Asn870His; replaces asparagine 870 with histidine.
Molecular consequence: missense variant.
Genome position (GRCh38, 1-based): chr10:58,817,636, A>C. VCF-style: chr10-58817636-A-C. GRCh37 (hg19) VCF-style: chr10-60577396-A-C.
Other names: short protein forms N870H.
Identifiers: ClinVar variation 4769907 (VCV004769907.1).

ClinVar aggregate classification (germline): Uncertain significance (1 of 4 stars; one submission).

gnomAD v4.1: 15 of 1,613,492 alleles (0.00093%); highest among the groups gnomAD compares: South Asian, 0.0077%; no homozygotes.

Submission:

Labcorp Genetics (formerly Invitae), Labcorp
Classification: Uncertain significance. Last evaluated: 2025-10-26. Review status: criteria provided, single submitter. Criteria: Invitae Variant Classification Sherloc (09022015). Collection method: clinical testing. Allele origin: germline.
Comment: This sequence change replaces asparagine, which is neutral and polar, with histidine, which is basic and polar, at codon 870 of the BICC1 protein (p.Asn870His). This variant is present in population databases (rs62625030, gnomAD 0.01%). This variant has not been reported in the literature in individuals affected with BICC1-related conditions. An algorithm developed to predict the effect of missense changes on protein structure and function (PolyPhen-2) suggests that this variant is likely to be disruptive. In summary, the available evidence is currently insufficient to determine the role of this variant in disease. Therefore, it has been classified as a Variant of Uncertain Significance.